The following is an entry in ClinVar:

ClinVar aggregate classification (germline): Likely benign (0 of 4 stars; one submission).

Conditions:
CD44-related disorder. Also called: CD44-related condition.

Allele frequency attached by ClinVar (database versions not stated): gnomAD exomes 0.00012; gnomAD 0.00020; ExAC 0.00023; TOPMed 0.00023; 1000 Genomes Project 0.00060; 1000 Genomes Project 30x 0.00109.
gnomAD v4.1: 208 of 1,584,902 alleles (0.013%); highest among the groups gnomAD compares: East Asian, 0.38%; no homozygotes.

Submission:

PreventionGenetics, part of Exact Sciences
Classification: Likely benign for CD44-related condition. Last evaluated: 2019-05-22. Review status: no assertion criteria provided. Collection method: clinical testing. Allele origin: germline.
Comment: This variant is classified as likely benign based on ACMG/AMP sequence variant interpretation guidelines (Richards et al. 2015 PMID: 25741868, with internal and published modifications).

NM_000610.4(CD44):c.*1C>G

Gene: CD44 (CD44 molecule (IN blood group); plus strand). Cytogenetic location: 11p13.
Variant type: single nucleotide variant.
Coding change: c.*1C>G on transcript NM_000610.4 (MANE Select); 1 bases downstream of the stop codon, C replaced by G.
Molecular consequence: 3 prime UTR variant.
Genome position (GRCh38, 1-based): chr11:35,229,334, C>G. VCF-style: chr11-35229334-C-G. GRCh37 (hg19) VCF-style: chr11-35250881-C-G.
Other names: c.*1C>G (NM_001001389.2, NM_001001390.2, NM_001001391.2 and 2 more transcripts); c.*47C>G (NM_001001392.2).
Identifiers: ClinVar variation 3039465 (VCV003039465.2), dbSNP rs139168368, ClinGen allele CA5946956.